The following is an entry in ClinVar:

ClinVar aggregate classification (germline): Uncertain significance (1 of 4 stars; one submission).

Conditions:
Cardiovascular phenotype. Identifiers: MedGen CN230736.

Submission:

Ambry Genetics
Classification: Uncertain significance for Cardiovascular phenotype. Last evaluated: 2021-07-27. Review status: criteria provided, single submitter. Criteria: Ambry Variant Classification Scheme 2023. Collection method: clinical testing. Allele origin: germline.
Comment: The p.C76R variant (also known as c.226T>C), located in coding exon 1 of the KCNJ2 gene, results from a T to C substitution at nucleotide position 226. The cysteine at codon 76 is replaced by arginine, an amino acid with highly dissimilar properties. This amino acid position is highly conserved in available vertebrate species. In addition, this alteration is predicted to be deleterious by in silico analysis. Since supporting evidence is limited at this time, the clinical significance of this alteration remains unclear.

NM_000891.3(KCNJ2):c.226T>C (p.Cys76Arg)

Gene: KCNJ2 (potassium inwardly rectifying channel subfamily J member 2; plus strand). Cytogenetic location: 17q24.3.
Variant type: single nucleotide variant.
Coding change: c.226T>C on transcript NM_000891.3 (MANE Select); coding-DNA position 226, T replaced by C.
Protein change: p.Cys76Arg; replaces cysteine 76 with arginine.
Molecular consequence: missense variant.
Genome position (GRCh38, 1-based): chr17:70,175,265, T>C. VCF-style: chr17-70175265-T-C. GRCh37 (hg19) VCF-style: chr17-68171406-T-C.
Other names: short protein forms C76R.
Identifiers: ClinVar variation 1788771 (VCV001788771.2), dbSNP rs786205812, ClinGen allele CA400860140.